The following is an entry in ClinVar:

NM_000322.5(PRPH2):c.178del (p.Val60fs)

Gene: PRPH2 (peripherin 2; minus strand). Cytogenetic location: 6p21.1.
Variant type: Deletion.
Coding change: c.178del on transcript NM_000322.5 (MANE Select); coding-DNA position 178, one base deleted (G; older notation c.178delG).
Protein change: p.Val60fs; shifts the reading frame from valine 60.
Molecular consequence: frameshift variant.
Genome position (GRCh38, 1-based): chr6:42,722,157, C deleted on the plus strand (G on the coding strand, the reverse complement: PRPH2 is on the minus strand). VCF-style (leftmost placement, unchanged base first): chr6-42722156-AC-A. GRCh37 (hg19) VCF-style: chr6-42689894-AC-A.
Other names: short protein forms V60fs.
Identifiers: ClinVar variation 1175252 (VCV001175252.7), dbSNP rs2152011068, ClinGen allele CA2499218309.

ClinVar aggregate classification (germline): Pathogenic. Review status: criteria provided, single submitter (1 of 4 stars). 2 submissions from 2 submitters: Pathogenic (1). 1 of the submissions does not count toward it. Last evaluated 2022-05-19.

Conditions:
PRPH2-related disorder. Also called: PRPH2-related disorders; PRPH2-related condition. Identifiers: MedGen CN239395.

Submissions (2):

Labcorp Genetics (formerly Invitae), Labcorp
Classification: Pathogenic for PRPH2-related disorder. Last evaluated: 2022-05-19. Review status: criteria provided, single submitter. Criteria: Invitae Variant Classification Sherloc (09022015). Collection method: clinical testing. Allele origin: germline.
Comment: This sequence change creates a premature translational stop signal (p.Val60Cysfs*5) in the PRPH2 gene. It is expected to result in an absent or disrupted protein product. Loss-of-function variants in PRPH2 are known to be pathogenic (PMID: 8111389, 8485575, 8485576, 8675410, 16916875, 17504850, 25675413, 26061163, 27365499, 29555955). This variant is not present in population databases (gnomAD no frequency). This premature translational stop signal has been observed in individual(s) with macular and cone/cone-rod dystrophy (PMID: 29555955). ClinVar contains an entry for this variant (Variation ID: 1175252). For these reasons, this variant has been classified as Pathogenic.

Leiden Open Variation Database
Classification: Pathogenic. Last evaluated: 2021-02-14. Review status: no assertion criteria provided. Collection method: curation. Allele origin: germline. Affected: yes. Not counted in ClinVar's aggregate classification.
Comment: Curator: Global Variome, with Curator vacancy. Submitter to LOVD: LOVD.

Literature cited by the submitters: PubMed 8111389 (cited by Labcorp Genetics (formerly Invitae), Labcorp); PubMed 8485575 (cited by Labcorp Genetics (formerly Invitae), Labcorp); PubMed 8485576 (cited by Labcorp Genetics (formerly Invitae), Labcorp); PubMed 8675410 (cited by Labcorp Genetics (formerly Invitae), Labcorp); PubMed 16916875 (cited by Labcorp Genetics (formerly Invitae), Labcorp); PubMed 17504850 (cited by Labcorp Genetics (formerly Invitae), Labcorp); PubMed 25675413 (cited by Labcorp Genetics (formerly Invitae), Labcorp); PubMed 26061163 (cited by Labcorp Genetics (formerly Invitae), Labcorp); PubMed 27365499 (cited by Labcorp Genetics (formerly Invitae), Labcorp); PubMed 29555955 (cited by Labcorp Genetics (formerly Invitae), Labcorp and Leiden Open Variation Database).